The following is an entry in ClinVar:

ClinVar aggregate classification (germline): Likely benign (0 of 4 stars; one submission).

Conditions:
MYOM2-related disorder. Also called: MYOM2-related condition.

gnomAD v4.1: 40 of 1,613,936 alleles (0.0025%); highest among the groups gnomAD compares: South Asian, 0.0099%; no homozygotes.

Submission:

PreventionGenetics, part of Exact Sciences
Classification: Likely benign for MYOM2-related condition. Last evaluated: 2019-08-01. Review status: no assertion criteria provided. Collection method: clinical testing. Allele origin: germline.
Comment: This variant is classified as likely benign based on ACMG/AMP sequence variant interpretation guidelines (Richards et al. 2015 PMID: 25741868, with internal and published modifications).

NM_003970.4(MYOM2):c.4287C>T (p.Ile1429=)

Gene: MYOM2 (myomesin 2; plus strand). Cytogenetic location: 8p23.3.
Variant type: single nucleotide variant.
Coding change: c.4287C>T on transcript NM_003970.4 (MANE Select); coding-DNA position 4287, C replaced by T.
Protein change: p.Ile1429=; no amino-acid change (isoleucine 1429 retained).
Molecular consequence: synonymous variant.
Genome position (GRCh38, 1-based): chr8:2,144,870, C>T. VCF-style: chr8-2144870-C-T. GRCh37 (hg19) VCF-style: chr8-2092794-C-T.
Identifiers: ClinVar variation 3035052 (VCV003035052.2), dbSNP rs372462026, ClinGen allele CA170467303.